The following is an entry in ClinVar:

ClinVar aggregate classification (germline): Uncertain significance (1 of 4 stars; one submission).

Conditions:
Hereditary pancreatitis (PCTT). Also called: PRSS1-Related Hereditary Pancreatitis; Hereditary chronic pancreatitis. Identifiers: Orphanet 676, MedGen C0238339, MONDO:0008185, OMIM 167800.

gnomAD v4.1: 1 of 1,614,240 alleles (0.000062%); highest among the groups gnomAD compares: Non-Finnish European, 0.000085%; no homozygotes.

Submission:

Ambry Genetics
Classification: Uncertain significance for Hereditary pancreatitis. Last evaluated: 2021-09-20. Review status: criteria provided, single submitter. Criteria: Ambry Variant Classification Scheme 2023. Collection method: clinical testing. Allele origin: germline.
Comment: The p.K278N variant (also known as c.834G>T), located in coding exon 8 of the CPA1 gene, results from a G to T substitution at nucleotide position 834. The lysine at codon 278 is replaced by asparagine, an amino acid with similar properties. This amino acid position is conserved. In addition, this alteration is predicted to be tolerated by in silico analysis. Since supporting evidence is limited at this time, the clinical significance of this alteration remains unclear.

NM_001868.4(CPA1):c.834G>T (p.Lys278Asn)

Gene: CPA1 (carboxypeptidase A1; plus strand). Cytogenetic location: 7q32.2.
Variant type: single nucleotide variant.
Coding change: c.834G>T on transcript NM_001868.4 (MANE Select); coding-DNA position 834, G replaced by T.
Protein change: p.Lys278Asn; replaces lysine 278 with asparagine.
Molecular consequence: missense variant.
Genome position (GRCh38, 1-based): chr7:130,385,192, G>T. VCF-style: chr7-130385192-G-T. GRCh37 (hg19) VCF-style: chr7-130025033-G-T.
Other names: short protein forms K278N.
Identifiers: ClinVar variation 1763048 (VCV001763048.2), dbSNP rs201936657, ClinGen allele CA369283371.